The following is an entry in ClinVar:

ClinVar aggregate classification (germline): Uncertain significance (1 of 4 stars; one submission).

Submission:

Ambry Genetics
Classification: Uncertain significance. Last evaluated: 2024-02-06. Review status: criteria provided, single submitter. Criteria: Ambry Variant Classification Scheme 2023. Collection method: clinical testing. Allele origin: germline.
Comment: The p.M244I variant (also known as c.732G>A), located in coding exon 9 of the NPAT gene, results from a G to A substitution at nucleotide position 732. The methionine at codon 244 is replaced by isoleucine, an amino acid with highly similar properties. This amino acid position is conserved. In addition, this alteration is predicted to be tolerated by in silico analysis. Since supporting evidence is limited at this time, the clinical significance of this alteration remains unclear.

NM_002519.3(NPAT):c.732G>A (p.Met244Ile)

Gene: NPAT (nuclear protein, coactivator of histone transcription; minus strand). Cytogenetic location: 11q22.3.
Variant type: single nucleotide variant.
Coding change: c.732G>A on transcript NM_002519.3 (MANE Select); coding-DNA position 732, G replaced by A.
Protein change: p.Met244Ile; replaces methionine 244 with isoleucine.
Molecular consequence: missense variant.
Genome position (GRCh38, 1-based): chr11:108,185,489, C>T on the plus strand (G>A on the coding strand, the complement: NPAT is on the minus strand). VCF-style: chr11-108185489-C-T. GRCh37 (hg19) VCF-style: chr11-108056216-C-T.
Other names: c.732G>A, p.Met244Ile (NM_001321307.1); short protein forms M244I.
Identifiers: ClinVar variation 1758369 (VCV001758369.2), dbSNP rs2496738228, ClinGen allele CA382521478.